The following is an entry in ClinVar:

NM_031443.4(CCM2):c.118C>T (p.Arg40Cys)

Gene: CCM2 (CCM2 scaffold protein; plus strand). Cytogenetic location: 7p13.
Variant type: single nucleotide variant.
Coding change: c.118C>T on transcript NM_031443.4 (MANE Select); coding-DNA position 118, C replaced by T.
Protein change: p.Arg40Cys; replaces arginine 40 with cysteine.
Molecular consequence: missense variant. On other transcripts: non-coding transcript variant (1), intron variant (2).
Genome position (GRCh38, 1-based): chr7:45,038,340, C>T. VCF-style: chr7-45038340-C-T. GRCh37 (hg19) VCF-style: chr7-45077939-C-T.
Other names: c.181C>T, p.Arg61Cys (NM_001029835.2); c.118C>T, p.Arg40Cys (NM_001167935.2, NM_001363458.2); c.31-25578C>T (NM_001363459.2, NM_001167934.2); short protein forms R61C, R40C.
Identifiers: ClinVar variation 3708424 (VCV003708424.2).
Genomic context (GRCh38, chr7:45,038,340, plus strand): 5'-GTATTCCTAAAAGGTGAAAAGAGTAGAGATAAGAAAGCCCATGAGAAGGTGACAGAGAGG[C>T]GCCCTCTGCACACTGTGGTGTTGTCATTGCCTGAGCGCGTCGAGCCAGACAGACTGCTGA-3'
Protein context (NP_113631.1, residues 30-50): KKAHEKVTER[Arg40Cys]PLHTVVLSLP

ClinVar aggregate classification (germline): Uncertain significance (1 of 4 stars; one submission).

Conditions:
Cerebral cavernous malformation 2. Also called: Familial Cerebral Cavernous Malformation 2. Identifiers: Orphanet 221061, MedGen C1864041, MONDO:0011304, OMIM 603284.

gnomAD v4.1: 147 of 1,613,952 alleles (0.0091%); highest among the groups gnomAD compares: Non-Finnish European, 0.012%; no homozygotes.

Submission:

Labcorp Genetics (formerly Invitae), Labcorp
Classification: Uncertain significance for Cerebral cavernous malformation 2. Last evaluated: 2024-02-24. Review status: criteria provided, single submitter. Criteria: Invitae Variant Classification Sherloc (09022015). Collection method: clinical testing. Allele origin: germline.
Comment: This sequence change replaces arginine, which is basic and polar, with cysteine, which is neutral and slightly polar, at codon 40 of the CCM2 protein (p.Arg40Cys). This variant is present in population databases (rs755950481, gnomAD 0.005%). This variant has not been reported in the literature in individuals affected with CCM2-related conditions. Advanced modeling of protein sequence and biophysical properties (such as structural, functional, and spatial information, amino acid conservation, physicochemical variation, residue mobility, and thermodynamic stability) performed at Invitae indicates that this missense variant is not expected to disrupt CCM2 protein function with a negative predictive value of 80%. In summary, the available evidence is currently insufficient to determine the role of this variant in disease. Therefore, it has been classified as a Variant of Uncertain Significance.